The following is an entry in ClinVar:

NM_001042492.3(NF1):c.2794A>C (p.Met932Leu)

Gene: NF1 (neurofibromin 1; plus strand). Cytogenetic location: 17q11.2.
Variant type: single nucleotide variant.
Coding change: c.2794A>C on transcript NM_001042492.3 (MANE Select); coding-DNA position 2794, A replaced by C.
Protein change: p.Met932Leu; replaces methionine 932 with leucine.
Molecular consequence: missense variant.
Genome position (GRCh38, 1-based): chr17:31,229,409, A>C. VCF-style: chr17-31229409-A-C. GRCh37 (hg19) VCF-style: chr17-29556427-A-C.
Other names: c.2794A>C, p.Met932Leu (NM_000267.4); short protein forms M932L.
Identifiers: ClinVar variation 1347001 (VCV001347001.10), dbSNP rs886052800, ClinGen allele CA398985649.

ClinVar aggregate classification (germline): Uncertain significance. Review status: criteria provided, multiple submitters, no conflicts (2 of 4 stars). 2 submissions from 2 submitters: Uncertain significance (2). Last evaluated 2025-03-26.

Conditions:
Hereditary cancer-predisposing syndrome. Also called: Hereditary Cancer Syndrome; Neoplastic Syndromes, Hereditary; Tumor predisposition; Hereditary neoplastic syndrome. Identifiers: Orphanet 140162, MedGen C0027672, MeSH D009386, MONDO:0015356.
Cardiovascular phenotype. Identifiers: MedGen CN230736.
Neurofibromatosis, type 1 (NF1). Also called: VON RECKLINGHAUSEN DISEASE; Peripheral type neurofibromatosis; Neurofibromatosis, type I; NEUROFIBROMATOSIS, TYPE I, SOMATIC. Identifiers: Orphanet 636, MedGen C0027831, MONDO:0018975, OMIM 162200. Disease mechanism: loss of function.

gnomAD v4.1: 5 of 1,613,908 alleles (0.00031%); highest among the groups gnomAD compares: Non-Finnish European, 0.00042%; no homozygotes.

Submissions (2):

Labcorp Genetics (formerly Invitae), Labcorp
Classification: Uncertain significance for Neurofibromatosis, type 1. Last evaluated: 2025-03-26. Review status: criteria provided, single submitter. Criteria: Invitae Variant Classification Sherloc (09022015). Collection method: clinical testing. Allele origin: germline.
Comment: This sequence change replaces methionine, which is neutral and non-polar, with leucine, which is neutral and non-polar, at codon 932 of the NF1 protein (p.Met932Leu). This variant is not present in population databases (gnomAD no frequency). This missense change has been observed in individual(s) with breast cancer (PMID: 33471991). ClinVar contains an entry for this variant (Variation ID: 1347001). Invitae Evidence Modeling of protein sequence and biophysical properties (such as structural, functional, and spatial information, amino acid conservation, physicochemical variation, residue mobility, and thermodynamic stability) indicates that this missense variant is not expected to disrupt NF1 protein function with a negative predictive value of 95%. In summary, the available evidence is currently insufficient to determine the role of this variant in disease. Therefore, it has been classified as a Variant of Uncertain Significance.

Ambry Genetics
Classification: Uncertain significance for Cardiovascular phenotype; Hereditary cancer-predisposing syndrome. Last evaluated: 2023-08-30. Review status: criteria provided, single submitter. Criteria: Ambry Variant Classification Scheme 2023. Collection method: clinical testing. Allele origin: germline.
Comment: The p.M932L variant (also known as c.2794A>C), located in coding exon 21 of the NF1 gene, results from an A to C substitution at nucleotide position 2794. The methionine at codon 932 is replaced by leucine, an amino acid with highly similar properties. This amino acid position is highly conserved in available vertebrate species. In addition, the in silico prediction for this alteration is inconclusive. Since supporting evidence is limited at this time, the clinical significance of this alteration remains unclear.

Literature cited by the submitters: PubMed 33471991 (cited by Labcorp Genetics (formerly Invitae), Labcorp).